The following is an entry in ClinVar:

ClinVar aggregate classification (germline): Pathogenic. Review status: reviewed by expert panel (3 of 4 stars). 6 submissions from 6 submitters: Pathogenic (1). 5 of the submissions do not count toward it. Last evaluated 2016-10-18.

Conditions:
Hereditary cancer-predisposing syndrome. Also called: Hereditary Cancer Syndrome; Tumor predisposition; Neoplastic Syndromes, Hereditary; Hereditary neoplastic syndrome. Identifiers: Orphanet 140162, MedGen C0027672, MeSH D009386, MONDO:0015356.
Breast-ovarian cancer, familial, susceptibility to, 2 (BROVCA2). Also called: BRCA2 Hereditary Breast and Ovarian Cancer. Identifiers: Orphanet 145, MedGen C2675520, MONDO:0012933, OMIM 612555. Disease mechanism: loss of function.

Submissions (6):

Evidence-based Network for the Interpretation of Germline Mutant Alleles (ENIGMA)
Classification: Pathogenic for Breast-ovarian cancer, familial, susceptibility to, 2. Last evaluated: 2016-10-18. Review status: reviewed by expert panel. Criteria: ENIGMA BRCA1/2 Classification Criteria (2015). Collection method: curation. Allele origin: germline.
Comment: Variant allele predicted to encode a truncated non-functional protein.

Ambry Genetics
Classification: Pathogenic for Hereditary cancer-predisposing syndrome. Last evaluated: 2023-12-21. Review status: criteria provided, single submitter. Criteria: Ambry Variant Classification Scheme 2023. Collection method: clinical testing. Allele origin: germline. Not counted in ClinVar's aggregate classification.
Comment: The c.5669_5673delTGGCA (p.M1890Rfs*8) alteration, located in coding exon 10 of the BRCA2 gene, consists of a deletion of 5 nucleotides from position 5669 to 5673, causing a translational frameshift with a predicted alternate stop codon after 8 amino acids. This alteration is expected to result in loss of function by premature protein truncation or nonsense-mediated mRNA decay. This variant was not reported in population-based cohorts in the Genome Aggregation Database (gnomAD). This variant has been reported in multiple unrelated individuals diagnosed with breast cancer (Gabald&oacute; Barrios, 2017; Solano, 2017; Figlioli, 2021). Based on the available evidence, this alteration is classified as pathogenic.

Color Diagnostics, LLC DBA Color Health
Classification: Pathogenic for Hereditary cancer-predisposing syndrome. Last evaluated: 2022-08-15. Review status: criteria provided, single submitter. Criteria: ACMG Guidelines, 2015. Collection method: clinical testing. Allele origin: germline. Not counted in ClinVar's aggregate classification.
Comment: This variant deletes 5 nucleotides in exon 11 of the BRCA2 gene, creating a frameshift and premature translation stop signal. This variant is expected to result in an absent or non-functional protein product. This variant has been reported in at least two individuals affected with breast cancer (PMID: 28477318, 28947987) and an individual affected with melanoma (PMID: 29884136). This variant has not been identified in the general population by the Genome Aggregation Database (gnomAD). Loss of BRCA2 function is a known mechanism of disease. Based on the available evidence, this variant is classified as Pathogenic.

Genologica Medica
Classification: Pathogenic for Breast-ovarian cancer, familial, susceptibility to, 2. Last evaluated: 2017-01-01. Review status: criteria provided, single submitter. Criteria: ACMG Guidelines, 2015. Collection method: clinical testing. Allele origin: germline. Affected: yes. Not counted in ClinVar's aggregate classification.

Consortium of Investigators of Modifiers of BRCA1/2 (CIMBA), c/o University of Cambridge
Classification: Pathogenic for Breast-ovarian cancer, familial, susceptibility to, 2. Last evaluated: 2015-10-02. Review status: criteria provided, single submitter. Criteria: CIMBA Mutation Classification guidelines May 2016. Collection method: clinical testing. Allele origin: germline. Not counted in ClinVar's aggregate classification.

Genesis Genomics
Classification: Pathogenic for Breast-ovarian cancer, familial, susceptibility to, 2. Review status: criteria provided, single submitter. Criteria: ACMG Guidelines, 2015. Collection method: clinical testing. Allele origin: germline. Affected: yes. Observed: 1 variant allele. Not counted in ClinVar's aggregate classification.

Literature cited by the submitters: PubMed 28477318 (cited by Ambry Genetics and Color Diagnostics, LLC DBA Color Health); PubMed 28947987 (cited by Ambry Genetics and Color Diagnostics, LLC DBA Color Health); PubMed 33573335 (cited by Ambry Genetics); PubMed 29884136 (cited by Color Diagnostics, LLC DBA Color Health).

NM_000059.4(BRCA2):c.5669_5673del (p.Met1890fs)

Gene: BRCA2 (BRCA2 DNA repair associated; plus strand). Cytogenetic location: 13q13.1.
Variant type: Deletion.
Coding change: c.5669_5673del on transcript NM_000059.4 (MANE Select); coding-DNA positions 5669 to 5673, 5 bases deleted (TGGCA; older notation c.5669_5673delTGGCA).
Protein change: p.Met1890fs; shifts the reading frame from methionine 1890.
Molecular consequence: frameshift variant.
Genome position (GRCh38, 1-based): chr13:32,340,024-32,340,028, TGGCA deleted; deleting any 5 consecutive bases within chr13:32,340,023-32,340,028 gives the same sequence; the c. name uses the placement nearest the transcript's 3' end. VCF-style (leftmost placement, unchanged base first): chr13-32340022-TATGGC-T. GRCh37 (hg19) VCF-style: chr13-32914159-TATGGC-T.
Other names: 5897del5; c.5669_5673delTGGCA (NM_000059.3).
Identifiers: ClinVar variation 233291 (VCV000233291.14), dbSNP rs876660311, ClinGen allele CA10579660.
Genomic context (GRCh38, chr13:32,340,022, plus strand): 5'-TTTCAGTAAAGTAATTAAGGAAAACAACGAGAATAAATCAAAAATTTGCCAAACGAAAAT[TATGGC>T]AGGTTGTTACGAGGCATTGGATGATTCAGAGGATATTCTTCATAACTCTCTAGATAATGA-3'